The following is an entry in ClinVar:

NM_005431.2(XRCC2):c.493A>G (p.Ser165Gly)

Gene: XRCC2 (X-ray repair cross complementing 2; minus strand). Cytogenetic location: 7q36.1.
Variant type: single nucleotide variant.
Coding change: c.493A>G on transcript NM_005431.2 (MANE Select); coding-DNA position 493, A replaced by G.
Protein change: p.Ser165Gly; replaces serine 165 with glycine.
Molecular consequence: missense variant.
Genome position (GRCh38, 1-based): chr7:152,648,992, T>C on the plus strand (A>G on the coding strand, the complement: XRCC2 is on the minus strand). VCF-style: chr7-152648992-T-C. GRCh37 (hg19) VCF-style: chr7-152346077-T-C.
Other names: short protein forms S165G.
Identifiers: ClinVar variation 3333535 (VCV003333535.1).

ClinVar aggregate classification (germline): Uncertain significance (1 of 4 stars; one submission).

Conditions:
Hereditary cancer-predisposing syndrome. Also called: Neoplastic Syndromes, Hereditary; Tumor predisposition; Hereditary neoplastic syndrome; Hereditary Cancer Syndrome. Identifiers: Orphanet 140162, MedGen C0027672, MeSH D009386, MONDO:0015356.

gnomAD v4.1: 1 of 1,614,116 alleles (0.000062%); highest among the groups gnomAD compares: African/African-American, 0.0013%; no homozygotes.

Submission:

Ambry Genetics
Classification: Uncertain significance for Hereditary cancer-predisposing syndrome. Last evaluated: 2024-03-27. Review status: criteria provided, single submitter. Criteria: Ambry Variant Classification Scheme 2023. Collection method: clinical testing. Allele origin: germline.
Comment: The p.S165G variant (also known as c.493A>G), located in coding exon 3 of the XRCC2 gene, results from an A to G substitution at nucleotide position 493. The serine at codon 165 is replaced by glycine, an amino acid with similar properties. This amino acid position is conserved. In addition, this alteration is predicted to be tolerated by in silico analysis. Based on the available evidence, the clinical significance of this alteration remains unclear.